The following is an entry in ClinVar:

NM_000423.3(KRT2):c.1077C>T (p.Ile359=)

Gene: KRT2 (keratin 2; minus strand). Cytogenetic location: 12q13.13.
Variant type: single nucleotide variant.
Coding change: c.1077C>T on transcript NM_000423.3 (MANE Select); coding-DNA position 1077, C replaced by T.
Protein change: p.Ile359=; no amino-acid change (isoleucine 359 retained).
Molecular consequence: synonymous variant.
Genome position (GRCh38, 1-based): chr12:52,648,218, G>A on the plus strand (C>T on the coding strand, the complement: KRT2 is on the minus strand). VCF-style: chr12-52648218-G-A. GRCh37 (hg19) VCF-style: chr12-53042002-G-A.
Identifiers: ClinVar variation 4984475 (VCV004984475.1).

ClinVar aggregate classification (germline): Likely benign (1 of 4 stars; one submission).

Conditions:
KRT2-related disorder. Also called: KRT2-related condition.

gnomAD v4.1: 87 of 1,614,148 alleles (0.0054%); highest among the groups gnomAD compares: African/African-American, 0.011%; 2 homozygotes.

Submission:

PreventionGenetics, part of Exact Sciences
Classification: Likely benign for KRT2-related condition. Last evaluated: 2025-06-20. Review status: criteria provided, single submitter. Criteria: ACMG Guidelines, 2015. Collection method: clinical testing. Allele origin: germline.
Comment: This variant is classified as likely benign based on ACMG/AMP sequence variant interpretation guidelines (Richards et al. 2015 PMID: 25741868, with internal and published modifications).